The following is an entry in ClinVar:

NM_001876.4(CPT1A):c.1983C>A (p.Tyr661Ter)

Gene: CPT1A (carnitine palmitoyltransferase 1A; minus strand). Cytogenetic location: 11q13.3.
Variant type: single nucleotide variant.
Coding change: c.1983C>A on transcript NM_001876.4 (MANE Select); coding-DNA position 1983, C replaced by A.
Protein change: p.Tyr661Ter; replaces tyrosine 661 with a stop codon.
Molecular consequence: nonsense. On other transcripts: intron variant (1).
Genome position (GRCh38, 1-based): chr11:68,761,580, G>T on the plus strand (C>A on the coding strand, the complement: CPT1A is on the minus strand). VCF-style: chr11-68761580-G-T. GRCh37 (hg19) VCF-style: chr11-68529048-G-T.
Other names: c.1983C>A, p.Tyr661Ter (NM_001031847.3, NM_001440358.1, NM_001440359.1 and 2 more transcripts); c.1875C>A, p.Tyr625Ter (NM_001440363.1); c.1797C>A, p.Tyr599Ter (NM_001440365.1); c.1875+1047C>A (NM_001440364.1); short protein forms Y599*, Y625*, Y661*.
Identifiers: ClinVar variation 5018808 (VCV005018808.2).

ClinVar aggregate classification (germline): Likely pathogenic (1 of 4 stars; one submission).

Conditions:
Carnitine palmitoyl transferase 1A deficiency. Also called: Carnitine palmitoyltransferase type I deficiency; CPT I DEFICIENCY; CPT DEFICIENCY, HEPATIC, TYPE I; CPT deficiency, hepatic, type IA; Carnitine palmitoyltransferase 1A deficiency. Identifiers: Orphanet 156, MedGen C1829703, MONDO:0009705, OMIM 255120.

Submission:

Juno Genomics, Hangzhou Juno Genomics, Inc
Classification: Likely pathogenic for Carnitine palmitoyl transferase 1A deficiency. Review status: criteria provided, single submitter. Criteria: ACMG Guidelines, 2015. Collection method: clinical testing. Allele origin: germline.
Comment: Absent from controls (or at extremely low frequency if recessive) in Genome Aggregation Database.;Null variant in a gene where loss of function (LOF) is a known mechanism of disease.